The following is an entry in ClinVar:

ClinVar aggregate classification (germline): Uncertain significance (1 of 4 stars; one submission).

Conditions:
Hereditary cancer-predisposing syndrome. Also called: Hereditary Cancer Syndrome; Hereditary neoplastic syndrome; Neoplastic Syndromes, Hereditary; Tumor predisposition. Identifiers: Orphanet 140162, MedGen C0027672, MeSH D009386, MONDO:0015356.

Submission:

Ambry Genetics
Classification: Uncertain significance for Hereditary cancer-predisposing syndrome. Last evaluated: 2024-11-01. Review status: criteria provided, single submitter. Criteria: Ambry Variant Classification Scheme 2023. Collection method: clinical testing. Allele origin: germline.
Comment: The c.469_472delGATC variant, located in coding exon 4 of the SDHAF2 gene, results from a deletion of 4 nucleotides at nucleotide positions 469 to 472, causing a translational frameshift with a predicted alternate stop codon (p.D157Lfs*25). This alteration occurs at the 3' terminus of the SDHAF2 gene, is not expected to trigger nonsense-mediated mRNAdecay and results in the elongation of the protein by 14 amino acids. This frameshift impacts the last 10amino acids of the native protein. The exact functional effect of the altered amino acids is unknown. Based on the available evidence, the clinical significance of this variant remains unclear.

NM_017841.4(SDHAF2):c.469_472del (p.Asp157fs)

Gene: SDHAF2 (succinate dehydrogenase complex assembly factor 2; plus strand). Cytogenetic location: 11q12.2.
Variant type: Deletion.
Coding change: c.469_472del on transcript NM_017841.4 (MANE Select); coding-DNA positions 469 to 472, 4 bases deleted (GATC; older notation c.469_472delGATC).
Protein change: p.Asp157fs; shifts the reading frame from aspartic acid 157.
Molecular consequence: frameshift variant.
Genome position (GRCh38, 1-based): chr11:61,446,039-61,446,042, GATC deleted. VCF-style (leftmost placement, unchanged base first): chr11-61446038-AGATC-A. GRCh37 (hg19) VCF-style: chr11-61213510-AGATC-A.
Other names: short protein forms D157fs.
Identifiers: ClinVar variation 1742479 (VCV001742479.3), dbSNP rs2540133135, ClinGen allele CA2580084355.